The following is an entry in ClinVar:

NM_000321.3(RB1):c.2155C>G (p.Leu719Val)

Gene: RB1 (RB transcriptional corepressor 1; plus strand). Cytogenetic location: 13q14.2.
Variant type: single nucleotide variant.
Coding change: c.2155C>G on transcript NM_000321.3 (MANE Select); coding-DNA position 2155, C replaced by G.
Protein change: p.Leu719Val; replaces leucine 719 with valine.
Molecular consequence: missense variant.
Genome position (GRCh38, 1-based): chr13:48,463,779, C>G. VCF-style: chr13-48463779-C-G. GRCh37 (hg19) VCF-style: chr13-49037915-C-G.
Other names: c.2155C>G, p.Leu719Val (NM_001407165.1); short protein forms L719V.
Identifiers: ClinVar variation 2120034 (VCV002120034.4), dbSNP rs2138342421, ClinGen allele CA388167115.

ClinVar aggregate classification (germline): Uncertain significance (1 of 4 stars; one submission).

Conditions:
Retinoblastoma (RB1). Also called: RETINOBLASTOMA, SOMATIC. Identifiers: Orphanet 790, MedGen C0035335, MeSH D012175, MONDO:0008380, OMIM 180200, HP:0009919. Disease mechanism: loss of function. Inheritance: Both sporadic and heritable forms are tested..

Submission:

Labcorp Genetics (formerly Invitae), Labcorp
Classification: Uncertain significance for Retinoblastoma. Last evaluated: 2022-08-23. Review status: criteria provided, single submitter. Criteria: Invitae Variant Classification Sherloc (09022015). Collection method: clinical testing. Allele origin: germline.
Comment: In summary, the available evidence is currently insufficient to determine the role of this variant in disease. Therefore, it has been classified as a Variant of Uncertain Significance. Algorithms developed to predict the effect of missense changes on protein structure and function (SIFT, PolyPhen-2, Align-GVGD) all suggest that this variant is likely to be disruptive. This variant has not been reported in the literature in individuals affected with RB1-related conditions. This variant is not present in population databases (gnomAD no frequency). This sequence change replaces leucine, which is neutral and non-polar, with valine, which is neutral and non-polar, at codon 719 of the RB1 protein (p.Leu719Val).